The following is an entry in ClinVar:

NM_182961.4(SYNE1):c.12078+263A>T

Gene: SYNE1 (spectrin repeat containing nuclear envelope protein 1; minus strand). Cytogenetic location: 6q25.2.
Variant type: single nucleotide variant.
Coding change: c.12078+263A>T on transcript NM_182961.4 (MANE Select); 263 bases into the intron after coding-DNA position 12078, A replaced by T.
Molecular consequence: intron variant.
Genome position (GRCh38, 1-based): chr6:152,346,796, T>A on the plus strand (A>T on the coding strand, the complement: SYNE1 is on the minus strand). VCF-style: chr6-152346796-T-A. GRCh37 (hg19) VCF-style: chr6-152667931-T-A.
Other names: c.11865+263A>T (NM_033071.5).
Identifiers: ClinVar variation 683945 (VCV000683945.1), dbSNP rs9322369, ClinGen allele CA12253559.

ClinVar aggregate classification (germline): Benign (1 of 4 stars; one submission).

Allele frequency attached by ClinVar (database versions not stated): 1000 Genomes Project 30x 0.53045; 1000 Genomes Project 0.52995.
gnomAD v4.1: 81,179 of 150,928 alleles (54%); highest among the groups gnomAD compares: East Asian, 65%; 22,614 homozygotes.

Submission:

GeneDx
Classification: Benign. Last evaluated: 2018-06-18. Review status: criteria provided, single submitter. Criteria: GeneDx Variant Classification (06012015). Collection method: clinical testing. Allele origin: germline. Affected: yes.
Comment: This variant is considered likely benign or benign based on one or more of the following criteria: it is a conservative change, it occurs at a poorly conserved position in the protein, it is predicted to be benign by multiple in silico algorithms, and/or has population frequency not consistent with disease.